The following is an entry in ClinVar:

NM_000368.5(TSC1):c.1708_1709del (p.Arg570fs)

Gene: TSC1 (TSC complex subunit 1; minus strand). Cytogenetic location: 9q34.13.
Variant type: Deletion.
Coding change: c.1708_1709del on transcript NM_000368.5 (MANE Select); coding-DNA positions 1708 to 1709, 2 bases deleted (AG; older notation c.1708_1709delAG).
Protein change: p.Arg570fs; shifts the reading frame from arginine 570.
Molecular consequence: frameshift variant.
Genome position (GRCh38, 1-based): chr9:132,905,869-132,905,870, CT deleted on the plus strand (AG on the coding strand, the reverse complement: TSC1 is on the minus strand). VCF-style (leftmost placement, unchanged base first): chr9-132905868-CCT-C. GRCh37 (hg19) VCF-style: chr9-135781255-CCT-C.
Other names: c.1705_1706del, p.Arg569fs (NM_001162426.2); c.1555_1556del, p.Arg519fs (NM_001162427.2); c.1345_1346del, p.Arg449fs (NM_001362177.2); c.1708_1709delAG (NM_000368.4); short protein forms R519fs, R449fs, R569fs.
Identifiers: ClinVar variation 48818 (VCV000048818.16), dbSNP rs118203564, ClinGen allele CA005244.

ClinVar aggregate classification (germline): Pathogenic. Review status: criteria provided, multiple submitters, no conflicts (2 of 4 stars). 5 submissions from 5 submitters: Pathogenic (4). 1 of the submissions does not count toward it. Last evaluated 2025-07-24.

Conditions:
Hereditary cancer-predisposing syndrome. Also called: Tumor predisposition; Hereditary Cancer Syndrome; Hereditary neoplastic syndrome; Neoplastic Syndromes, Hereditary. Identifiers: Orphanet 140162, MedGen C0027672, MeSH D009386, MONDO:0015356.
Tuberous sclerosis syndrome (TSC). Also called: Tuberous Sclerosis Complex; Tuberous sclerosis. Identifiers: Orphanet 805, MedGen C0041341, MONDO:0001734.
Tuberous sclerosis 1 (TSC1). Identifiers: Orphanet 805, MedGen C1854465, MONDO:0008612, OMIM 191100.

Submissions (5):

Labcorp Genetics (formerly Invitae), Labcorp
Classification: Pathogenic for Tuberous sclerosis 1. Last evaluated: 2025-07-24. Review status: criteria provided, single submitter. Criteria: Invitae Variant Classification Sherloc (09022015). Collection method: clinical testing. Allele origin: germline.
Comment: This sequence change creates a premature translational stop signal (p.Arg570Glyfs*17) in the TSC1 gene. It is expected to result in an absent or disrupted protein product. Loss-of-function variants in TSC1 are known to be pathogenic (PMID: 10227394, 17304050). This variant is not present in population databases (gnomAD no frequency). This premature translational stop signal has been observed in individual(s) with tuberous sclerosis complex (PMID: 9242607). This variant is also known as 1929delAG, 1929–1930delAG. ClinVar contains an entry for this variant (Variation ID: 48818). For these reasons, this variant has been classified as Pathogenic.

Myriad Genetics, Inc.
Classification: Pathogenic for Tuberous sclerosis 1. Last evaluated: 2025-05-23. Review status: criteria provided, single submitter. Criteria: Myriad Autosomal Dominant, Autosomal Recessive and X-Linked Classification Criteria (2023). Collection method: clinical testing. Allele origin: unknown.
Comment: This variant is considered pathogenic. This variant creates a frameshift predicted to result in premature protein truncation.

GeneDx
Classification: Pathogenic. Last evaluated: 2022-07-22. Review status: criteria provided, single submitter. Criteria: GeneDx Variant Classification Process June 2021. Collection method: clinical testing. Allele origin: germline. Affected: yes.
Comment: Frameshift variant predicted to result in protein truncation or nonsense mediated decay in a gene for which loss-of-function is a known mechanism of disease; Not observed in large population cohorts (gnomAD); Identified in patients with a clinical diagnosis of tuberous sclerosis complex in a well-curated database (TSC1 LOVD); This variant is associated with the following publications: (PMID: 11112665, 10363127, 18032745, 15798777, 10227394, 9924605, 9242607)

Ambry Genetics
Classification: Pathogenic for Hereditary cancer-predisposing syndrome. Last evaluated: 2016-05-18. Review status: criteria provided, single submitter. Criteria: Ambry Variant Classification Scheme 2023. Collection method: clinical testing. Allele origin: germline.
Comment: The c.1708_1709delAG pathogenic mutation (also known as p.R570Gfs*17, 1929delAG, and 1929_1930delAG), located in coding exon 13 of the TSC1 gene, results from a deletion of two nucleotides between positions 1708 and 1709, causing a translational frameshift with a predicted alternate stop codon. The mutation was originally identified in two patients with sporadic tuberous sclerosis; however, no specific clinical information for these individuals was provided (van Slegtenhorst M et al, Science 1997; 277(5327):805-8). This mutation was also detected in another sporadic case who met standard diagnostic criteria for tuberous sclerosis (Kwiatkowska J et al, Ann. Hum. Genet. 1998; 62(Pt 4):277-85). In addition to the clinical data presented in the literature, since frameshifts are typically deleterious in nature, this alteration is interpreted as a disease-causing mutation (ACMG Recommendations for Standards for Interpretation and Reporting of Sequence Variations. Revision 2007. Genet Med. 2008;10:294).

Tuberous sclerosis database (TSC1)
No classification provided. Condition: TSC. Review status: no classification provided. Criteria: Tuberous Sclerosis Database Assertion Criteria 2015. Collection method: curation. Allele origin: germline. Affected: yes. Not counted in ClinVar's aggregate classification.

Literature cited by the submitters: PubMed 10227394 (cited by Labcorp Genetics (formerly Invitae), Labcorp); PubMed 17304050 (cited by Labcorp Genetics (formerly Invitae), Labcorp); PubMed 9242607 (cited by Labcorp Genetics (formerly Invitae), Labcorp and Ambry Genetics); PubMed 9924605 (cited by Ambry Genetics).